The following is an entry in ClinVar:

ClinVar aggregate classification (germline): Pathogenic (1 of 4 stars; one submission).

Conditions:
Peroxisome biogenesis disorder. Identifiers: Orphanet 79189, MedGen C1832200, MONDO:0019234. Disease mechanism: loss of function.

Submission:

Labcorp Genetics (formerly Invitae), Labcorp
Classification: Pathogenic for Peroxisome biogenesis disorder. Last evaluated: 2022-01-15. Review status: criteria provided, single submitter. Criteria: Invitae Variant Classification Sherloc (09022015). Collection method: clinical testing. Allele origin: germline.
Comment: For these reasons, this variant has been classified as Pathogenic. This variant has not been reported in the literature in individuals affected with PEX6-related conditions. This variant is a gross deletion of the genomic region encompassing exon(s) 1-7 of the PEX6 gene, which includes the initiator codon. This deletion extends beyond the assayed region for this gene and therefore may encompass additional genes. It is expected to result in an absent or disrupted protein product. Loss-of-function variants in PEX6 are known to be pathogenic (PMID: 8670792, 19877282, 21031596).

Literature cited by the submitters: PubMed 8670792; PubMed 19877282; PubMed 21031596.

NC_000006.12:g.(?_42968280)_(42979253_?)del

Gene: PEX6 (peroxisomal biogenesis factor 6; minus strand). Cytogenetic location: 6p21.1.
Variant type: Deletion.
Identifiers: ClinVar variation 833404 (VCV000833404.8).